The following is an entry in ClinVar:

NM_205861.3(DHDDS):c.15G>C (p.Lys5Asn)

Gene: DHDDS (dehydrodolichyl diphosphate synthase subunit; plus strand). Cytogenetic location: 1p36.11.
Variant type: single nucleotide variant.
Coding change: c.15G>C on transcript NM_205861.3 (MANE Select); coding-DNA position 15, G replaced by C.
Protein change: p.Lys5Asn; replaces lysine 5 with asparagine.
Molecular consequence: missense variant. On other transcripts: 5 prime UTR variant (1).
Genome position (GRCh38, 1-based): chr1:26,432,960, G>C. VCF-style: chr1-26432960-G-C. GRCh37 (hg19) VCF-style: chr1-26759451-G-C.
Other names: c.15G>C, p.Lys5Asn (NM_001243564.2, NM_001243565.2, NM_024887.4); c.-288G>C (NM_001319959.2); short protein forms K5N.
Identifiers: ClinVar variation 4703749 (VCV004703749.1).
Genomic context (GRCh38, chr1:26,432,960, plus strand): 5'-CTGGTGTTTGCTTGTTCTGGAGTGATCTTCTGACTGGAAAAGAACTATGTCATGGATCAA[G>C]GAAGGAGAGCTGTCACTTTGGGAGCGGTTCTGTGCCAACATCATAAAGGTGAGCAATGGC-3'
Protein context (NP_995583.1, residues 1-15): MSWI[Lys5Asn]EGELSLWERF

ClinVar aggregate classification (germline): Uncertain significance (1 of 4 stars; one submission).

Conditions:
Retinitis pigmentosa 59 (RP59). Identifiers: Orphanet 791, MedGen C3151227, MONDO:0013468, OMIM 613861.

gnomAD v4.1: 4 of 1,614,206 alleles (0.00025%); highest among the groups gnomAD compares: Non-Finnish European, 0.00034%; no homozygotes.

Submission:

Labcorp Genetics (formerly Invitae), Labcorp
Classification: Uncertain significance for Retinitis pigmentosa 59. Last evaluated: 2025-11-01. Review status: criteria provided, single submitter. Criteria: Invitae Variant Classification Sherloc (09022015). Collection method: clinical testing. Allele origin: germline.
Comment: This sequence change replaces lysine, which is basic and polar, with asparagine, which is neutral and polar, at codon 5 of the DHDDS protein (p.Lys5Asn). This variant is not present in population databases (gnomAD no frequency). This variant has not been reported in the literature in individuals affected with DHDDS-related conditions. An algorithm developed to predict the effect of missense changes on protein structure and function (PolyPhen-2) suggests that this variant is likely to be tolerated. In summary, the available evidence is currently insufficient to determine the role of this variant in disease. Therefore, it has been classified as a Variant of Uncertain Significance.